The following is an entry in ClinVar:

ClinVar aggregate classification (germline): Uncertain significance. Review status: criteria provided, multiple submitters, no conflicts (2 of 4 stars). 2 submissions from 2 submitters: Uncertain significance (2). Last evaluated 2026-01-05.

Allele frequency attached by ClinVar (database versions not stated): gnomAD 0.00002; TOPMed 0.00002; gnomAD exomes 0.00005 and 0.00006; ExAC 0.00007.
gnomAD v4.1: 72 of 1,609,330 alleles (0.0045%); highest among the groups gnomAD compares: South Asian, 0.0088%; no homozygotes.

Submissions (2):

Labcorp Genetics (formerly Invitae), Labcorp
Classification: Uncertain significance. Last evaluated: 2026-01-05. Review status: criteria provided, single submitter. Criteria: Invitae Variant Classification Sherloc (09022015). Collection method: clinical testing. Allele origin: germline.
Comment: This sequence change replaces arginine, which is basic and polar, with tryptophan, which is neutral and slightly polar, at codon 987 of the NLRP1 protein (p.Arg987Trp). This variant is present in population databases (rs199748129, gnomAD 0.01%). This variant has not been reported in the literature in individuals affected with NLRP1-related conditions. ClinVar contains an entry for this variant (Variation ID: 1478507). An algorithm developed to predict the effect of missense changes on protein structure and function outputs the following: PolyPhen-2: "Benign". The tryptophan amino acid residue is found in multiple mammalian species, which suggests that this missense change does not adversely affect protein function. In summary, the available evidence is currently insufficient to determine the role of this variant in disease. Therefore, it has been classified as a Variant of Uncertain Significance.

Blueprint Genetics
Classification: Uncertain significance. Last evaluated: 2024-09-10. Review status: criteria provided, single submitter. Criteria: ACMG Guidelines, 2015. Collection method: clinical testing. Allele origin: germline.

NM_033004.4(NLRP1):c.2959C>T (p.Arg987Trp)

Gene: NLRP1 (NLR family pyrin domain containing 1; minus strand). Cytogenetic location: 17p13.2.
Variant type: single nucleotide variant.
Coding change: c.2959C>T on transcript NM_033004.4 (MANE Select); coding-DNA position 2959, C replaced by T.
Protein change: p.Arg987Trp; replaces arginine 987 with tryptophan.
Molecular consequence: missense variant. On other transcripts: intron variant (2).
Genome position (GRCh38, 1-based): chr17:5,536,852, G>A on the plus strand (C>T on the coding strand, the complement: NLRP1 is on the minus strand). VCF-style: chr17-5536852-G-A. GRCh37 (hg19) VCF-style: chr17-5440172-G-A.
Other names: c.2959C>T, p.Arg987Trp (NM_001033053.3, NM_014922.5); c.2870+2563C>T (NM_033007.4, NM_033006.4); short protein forms R987W.
Identifiers: ClinVar variation 1478507 (VCV001478507.10), dbSNP rs199748129, ClinGen allele CA8327000.
Genomic context (GRCh38, chr17:5,536,852, plus strand): 5'-TGTCTCCTGCTCAGCCCTGGGCCTGGGTCAGCCAGAGGGAGTTCTGGGTCCCCCCTTACC[G>A]TCTGCTGAAGATGAGCAGCTGAGGTTTCTCCTGCTCCAGGGCCCTCAGTTCCTGCCTCAT-3'
Protein context (NP_127497.1, residues 977-997): EKPQLLIFSR[Arg987Trp]KPSVMTPTEG